The following is an entry in ClinVar:

NM_000234.3(LIG1):c.201A>G (p.Glu67=)

Gene: LIG1 (DNA ligase 1; minus strand). Cytogenetic location: 19q13.33.
Variant type: single nucleotide variant.
Coding change: c.201A>G on transcript NM_000234.3 (MANE Select); coding-DNA position 201, A replaced by G.
Protein change: p.Glu67=; no amino-acid change (glutamic acid 67 retained).
Molecular consequence: synonymous variant. On other transcripts: non-coding transcript variant (6).
Genome position (GRCh38, 1-based): chr19:48,161,414, T>C on the plus strand (A>G on the coding strand, the complement: LIG1 is on the minus strand). VCF-style: chr19-48161414-T-C. GRCh37 (hg19) VCF-style: chr19-48664671-T-C.
Other names: c.111A>G, p.Glu37= (NM_001289063.2, NM_001320971.2); c.201A>G, p.Glu67= (NM_001289064.2, NM_001320970.2).
Identifiers: ClinVar variation 1945896 (VCV001945896.7), dbSNP rs766647750, ClinGen allele CA9547400.

ClinVar aggregate classification (germline): Likely benign. Review status: criteria provided, multiple submitters, no conflicts (2 of 4 stars). 2 submissions from 2 submitters: Likely benign (2). Last evaluated 2026-06-01.

Allele frequency attached by ClinVar (database versions not stated): TOPMed 0.00002; ExAC 0.00001; gnomAD 0.00001.
gnomAD v4.1: 11 of 1,614,032 alleles (0.00068%); highest among the groups gnomAD compares: Admixed American, 0.013%; no homozygotes.

Submissions (2):

CeGaT Center for Human Genetics Tuebingen
Classification: Likely benign. Last evaluated: 2026-06-01. Review status: criteria provided, single submitter. Criteria: CeGaT Center For Human Genetics Tuebingen Variant Classification Criteria Version 2. Collection method: clinical testing. Allele origin: germline. Affected: yes. Observed: 1 variant allele.
Comment: LIG1: BP4, BP7

Labcorp Genetics (formerly Invitae), Labcorp
Classification: Likely benign. Last evaluated: 2024-10-15. Review status: criteria provided, single submitter. Criteria: Invitae Variant Classification Sherloc (09022015). Collection method: clinical testing. Allele origin: germline.